The following is an entry in ClinVar:

ClinVar aggregate classification (germline): Likely pathogenic (1 of 4 stars; one submission).

Conditions:
Congenital contractural arachnodactyly (CCA). Also called: BEALS SYNDROME; Arthrogryposis, distal, type 9; Beals-Hecht syndrome. Identifiers: Orphanet 115, MedGen C0220668, MONDO:0007363, OMIM 121050.

Submission:

Labcorp Genetics (formerly Invitae), Labcorp
Classification: Likely pathogenic for Congenital contractural arachnodactyly. Last evaluated: 2016-07-27. Review status: criteria provided, single submitter. Criteria: Invitae Variant Classification Sherloc (09022015). Collection method: clinical testing. Allele origin: germline.
Comment: This variant is not present in population databases (ExAC no frequency). In summary, this variant is a donor splice site variant that has been reported in an affected individual and most likely will result in a truncated or absent protein. However, without additional functional and/or genetic data, this variant has been classified as Likely Pathogenic. This variant has been reported in the literature in an individual affected with congenital contracture arachnodactyly (PMID: 25046119). This sequence change affects a donor splice site in intron 32 of the FBN2 gene. It is expected to disrupt mRNA splicing and likely results in an absent or disrupted protein product.

Literature cited by the submitters: PubMed 25046119.

NM_001999.4(FBN2):c.4222+1G>A

Gene: FBN2 (fibrillin 2; minus strand). Cytogenetic location: 5q23.3.
Variant type: single nucleotide variant.
Coding change: c.4222+1G>A on transcript NM_001999.4 (MANE Select); the canonical splice donor site of the intron after coding-DNA position 4222, G replaced by A.
Molecular consequence: splice donor variant.
Genome position (GRCh38, 1-based): chr5:128,332,911, C>T on the plus strand (G>A on the coding strand, the complement: FBN2 is on the minus strand). VCF-style: chr5-128332911-C-T. GRCh37 (hg19) VCF-style: chr5-127668603-C-T.
Identifiers: ClinVar variation 411809 (VCV000411809.12), dbSNP rs1060503498, ClinGen allele CA16611716.